The following is an entry in ClinVar:

NM_020458.4(TTC7A):c.2355+4A>G

Gene: TTC7A (tetratricopeptide repeat domain 7A; plus strand). Cytogenetic location: 2p21.
Variant type: single nucleotide variant.
Coding change: c.2355+4A>G on transcript NM_020458.4 (MANE Select); 4 bases into the intron after coding-DNA position 2355, A replaced by G.
Molecular consequence: intron variant.
Genome position (GRCh38, 1-based): chr2:47,060,975, A>G. VCF-style: chr2-47060975-A-G. GRCh37 (hg19) VCF-style: chr2-47288114-A-G.
Other names: c.2253+4A>G (NM_001288953.2); c.2427+4A>G (NM_001288951.2); c.1293+4A>G (NM_001288955.2).
Identifiers: ClinVar variation 4848282 (VCV004848282.1).
Genomic context (GRCh38, chr2:47,060,975, plus strand): 5'-CTGTACAAGGAGGCGCTCACGGTGAACCCAGATGGCGTGCGCATCATGCATAGCCTGGTG[A>G]GTCAGAGCCCCCCGCGCTCCCACCACCTCCTCCCACAGCCTCAGGGCCCTTATCCCGCTT-3'

ClinVar aggregate classification (germline): Uncertain significance (1 of 4 stars; one submission).

Submission:

Women's Health and Genetics/Laboratory Corporation of America, LabCorp
Classification: Uncertain significance. Last evaluated: 2026-02-17. Review status: criteria provided, single submitter. Criteria: LabCorp Variant Classification Summary - May 2015. Collection method: clinical testing. Allele origin: germline.
Comment: Variant summary: TTC7A c.2355+4A>G alters a conserved nucleotide located close to a canonical splice site and therefore could affect mRNA splicing, leading to a significantly altered protein sequence. Several computational tools predict a significant impact on normal splicing: Five predict the variant weakens a 5' donor site. Four predict the variant creates a 5' donor site. However, these predictions have yet to be confirmed by functional studies. The variant was absent in 221776 control chromosomes. The available data on variant occurrences in the general population are insufficient to allow any conclusion about variant significance. c.2355+4A>G has been observed in trans with a null variant in at least 1 individual(s) affected with clinical features of Severe Combined Immunodeficiency (Chen_2022). These data do not allow any conclusion about variant significance. At least one publication reports experimental evidence evaluating an impact on protein function. The most pronounced variant effect results in 10%-<30% of normal mRNA expression (example, Chen_2022) in patient samples. The following publications have been ascertained in the context of this evaluation (PMID: 39873864, 40685546, 35783276). No submitters have cited clinical-significance assessments for this variant to ClinVar. Based on the evidence outlined above, the variant was classified as uncertain significance.

Literature cited by the submitters: PubMed 39873864; PubMed 40685546; PubMed 35783276.